The following is an entry in ClinVar:

NM_002435.3(MPI):c.319_320del (p.Leu107fs)

Gene: MPI (mannose phosphate isomerase; plus strand). Cytogenetic location: 15q24.1.
Variant type: Deletion.
Coding change: c.319_320del on transcript NM_002435.3 (MANE Select); coding-DNA positions 319 to 320, 2 bases deleted (CT; older notation c.319_320delCT).
Protein change: p.Leu107fs; shifts the reading frame from leucine 107.
Molecular consequence: frameshift variant.
Genome position (GRCh38, 1-based): chr15:74,891,553-74,891,554, CT deleted. VCF-style (leftmost placement, unchanged base first): chr15-74891552-CCT-C. GRCh37 (hg19) VCF-style: chr15-75183893-CCT-C.
Other names: c.319_320del, p.Leu107fs (NM_001289155.2, NM_001289157.2); c.169_170del, p.Leu57fs (NM_001289156.2); c.259_260del, p.Leu87fs (NM_001330372.2); short protein forms L107fs, L57fs, L87fs.
Identifiers: ClinVar variation 4815039 (VCV004815039.1).

ClinVar aggregate classification (germline): Likely pathogenic (1 of 4 stars; one submission).

Conditions:
MPI-congenital disorder of glycosylation. Also called: CONGENITAL DISORDER OF GLYCOSYLATION, TYPE Ib; CDG Ib; MANNOSEPHOSPHATE ISOMERASE DEFICIENCY; PROTEIN-LOSING ENTEROPATHY-HEPATIC FIBROSIS SYNDROME; MPI-CDG; MPI DEFICIENCY. Identifiers: Orphanet 79319, MedGen C1865145, MONDO:0011257, OMIM 602579.

Submission:

Natera, Inc.
Classification: Likely pathogenic for Congenital disorder of glycosylation type 1b. Last evaluated: 2024-11-10. Review status: criteria provided, single submitter. Criteria: Natera Variant Classification Schema (03/2026). Collection method: clinical testing. Allele origin: germline.
Comment: The c.319_320del variant in MPI is a frameshift variant predicted to shift the reading frame beginning at codon 107 and leads to a stop codon 7 codons downstream. This variant is expected to result in nonsense mediated decay, truncation, or a dysfunctional protein product. This variant is rare in the general population with a frequency below the threshold expected for the associated phenotype(s). Given the available evidence, this variant is classified as Likely Pathogenic.